The following is an entry in ClinVar:

ClinVar aggregate classification (germline): Uncertain significance (1 of 4 stars; one submission).

Conditions:
PLXNA3-related disorder. Also called: PLXNA3-related condition.

gnomAD v4.1: 29 of 1,205,634 alleles (0.0024%); highest among the groups gnomAD compares: Non-Finnish European, 0.0031%; no homozygotes.

Submission:

PreventionGenetics, part of Exact Sciences
Classification: Uncertain significance for PLXNA3-related condition. Last evaluated: 2025-04-15. Review status: criteria provided, single submitter. Criteria: ACMG Guidelines, 2015. Collection method: clinical testing. Allele origin: germline.
Comment: The PLXNA3 c.5504C>T variant is predicted to result in the amino acid substitution p.Thr1835Ile. To our knowledge, this variant has not been reported in the literature. This variant is reported in 0.0012% of alleles in individuals of European (Non-Finnish) descent in gnomAD, including one hemizygote. At this time, the clinical significance of this variant is uncertain due to the absence of conclusive functional and genetic evidence.

NM_017514.5(PLXNA3):c.5504C>T (p.Thr1835Ile)

Gene: PLXNA3 (plexin A3; plus strand). Cytogenetic location: Xq28.
Variant type: single nucleotide variant.
Coding change: c.5504C>T on transcript NM_017514.5 (MANE Select); coding-DNA position 5504, C replaced by T.
Protein change: p.Thr1835Ile; replaces threonine 1835 with isoleucine.
Molecular consequence: missense variant.
Genome position (GRCh38, 1-based): chrX:154,471,622, C>T. VCF-style: chrX-154471622-C-T. GRCh37 (hg19) VCF-style: chrX-153699965-C-T.
Other names: short protein forms T1835I.
Identifiers: ClinVar variation 4984012 (VCV004984012.1).
Genomic context (GRCh38, chrX:154,471,622, plus strand): 5'-GCCTCCACGCCAGCGACTTCAGCGTCCTGAGTGCGCTCAACGAGCTGTATTTCTATGTCA[C>T]CAAGTACCGCCAGGAGGTGTGTGTCATCCCCACAGACTCCCAGTTACTTGGTCCTGAAGG-3'
Protein context (NP_059984.3, residues 1825-1845): SALNELYFYV[Thr1835Ile]KYRQEILTAL